The following is an entry in ClinVar:

ClinVar aggregate classification (germline): Uncertain significance (1 of 4 stars; one submission).

Submission:

CeGaT Center for Human Genetics Tuebingen
Classification: Uncertain significance. Last evaluated: 2026-01-01. Review status: criteria provided, single submitter. Criteria: CeGaT Center For Human Genetics Tuebingen Variant Classification Criteria Version 2. Collection method: clinical testing. Allele origin: germline. Affected: yes. Observed: 1 variant allele.
Comment: NR2F2: PM2

NM_021005.4(NR2F2):c.106_107delinsAA (p.Ala36Asn)

Gene: NR2F2 (nuclear receptor subfamily 2 group F member 2; plus strand). Cytogenetic location: 15q26.2.
Variant type: Indel.
Coding change: c.106_107delinsAA on transcript NM_021005.4 (MANE Select); coding-DNA positions 106 to 107, GC replaced by AA.
Protein change: p.Ala36Asn; replaces alanine 36 with asparagine.
Molecular consequence: missense variant. On other transcripts: intron variant (1).
Genome position (GRCh38, 1-based): chr15:96,332,211-96,332,212, GC replaced by AA. VCF-style: chr15-96332211-GC-AA. GRCh37 (hg19) VCF-style: chr15-96875440-GC-AA.
Other names: c.44-1865_44-1864delinsAA (NM_001145155.2); short protein forms A36N.
Identifiers: ClinVar variation 4823831 (VCV004823831.4).